The following is an entry in ClinVar:

ClinVar aggregate classification (germline): Pathogenic (1 of 4 stars; one submission).

Conditions:
Neurofibromatosis, type 1 (NF1). Also called: VON RECKLINGHAUSEN DISEASE; Neurofibromatosis, type I; NEUROFIBROMATOSIS, TYPE I, SOMATIC; Peripheral type neurofibromatosis. Identifiers: Orphanet 636, MedGen C0027831, MONDO:0018975, OMIM 162200. Disease mechanism: loss of function.

Submission:

Mendelics
Classification: Pathogenic for Neurofibromatosis, type 1. Last evaluated: 2026-03-28. Review status: criteria provided, single submitter. Criteria: ACMG Guidelines, 2015. Collection method: clinical testing. Allele origin: unknown.
Comment: Deletion of gene NF1.

Single allele

Genes: NF1 (neurofibromin 1; plus strand), LOC108281182 (NF1 intron 50 Alu-mediated recombination region; plus strand). Cytogenetic location: 17q11.2.
Variant type: Deletion.
Identifiers: ClinVar variation 4820231 (VCV004820231.1).